The following is an entry in ClinVar:

ClinVar aggregate classification (germline): Uncertain significance. Review status: criteria provided, multiple submitters, no conflicts (2 of 4 stars). 4 submissions from 4 submitters: Uncertain significance (4). Last evaluated 2024-01-19.

Conditions:
Hereditary cancer-predisposing syndrome. Also called: Tumor predisposition; Hereditary Cancer Syndrome; Hereditary neoplastic syndrome; Neoplastic Syndromes, Hereditary. Identifiers: Orphanet 140162, MedGen C0027672, MeSH D009386, MONDO:0015356.
Familial adenomatous polyposis 1 (FAP1). Also called: FAMILIAL ADENOMATOUS POLYPOSIS 1, ATTENUATED; POLYPOSIS, ADENOMATOUS INTESTINAL. Identifiers: MedGen C2713442, MONDO:0021056, OMIM 175100. Disease mechanism: loss of function.

Allele frequency attached by ClinVar (database versions not stated): gnomAD exomes 0.00001.
gnomAD v4.1: 10 of 1,614,126 alleles (0.00062%); highest among the groups gnomAD compares: Non-Finnish European, 0.00076%; no homozygotes.

Submissions (4):

Women's Health and Genetics/Laboratory Corporation of America, LabCorp
Classification: Uncertain significance. Last evaluated: 2024-01-19. Review status: criteria provided, single submitter. Criteria: LabCorp Variant Classification Summary - May 2015. Collection method: clinical testing. Allele origin: germline.
Comment: Variant summary: APC c.4879C>A (p.Gln1627Lys) results in a conservative amino acid change in the encoded protein sequence. Four of five in-silico tools predict a benign effect of the variant on protein function. The variant was absent in 251178 control chromosomes. The available data on variant occurrences in the general population are insufficient to allow any conclusion about variant significance. To our knowledge, no occurrence of c.4879C>A in individuals affected with Colorectal Cancer Risk and no experimental evidence demonstrating its impact on protein function have been reported. ClinVar contains an entry for this variant (Variation ID: 537506). Based on the evidence outlined above, the variant was classified as uncertain significance.

Color Diagnostics, LLC DBA Color Health
Classification: Uncertain significance for Hereditary cancer-predisposing syndrome. Last evaluated: 2023-10-16. Review status: criteria provided, single submitter. Criteria: ACMG Guidelines, 2015. Collection method: clinical testing. Allele origin: germline.
Comment: This missense variant replaces glutamine with lysine at codon 1627 of the APC protein. Computational prediction suggests that this variant may not impact protein structure and function (internally defined REVEL score threshold <= 0.5, PMID: 27666373). To our knowledge, functional studies have not been reported for this variant. This variant has not been reported in individuals affected with APC-related disorders in the literature. This variant has not been identified in the general population by the Genome Aggregation Database (gnomAD). The available evidence is insufficient to determine the role of this variant in disease conclusively. Therefore, this variant is classified as a Variant of Uncertain Significance.

Labcorp Genetics (formerly Invitae), Labcorp
Classification: Uncertain significance for Familial adenomatous polyposis 1. Last evaluated: 2021-07-13. Review status: criteria provided, single submitter. Criteria: Invitae Variant Classification Sherloc (09022015). Collection method: clinical testing. Allele origin: germline.
Comment: This sequence change replaces glutamine with lysine at codon 1627 of the APC protein (p.Gln1627Lys). The glutamine residue is highly conserved and there is a small physicochemical difference between glutamine and lysine. In summary, the available evidence is currently insufficient to determine the role of this variant in disease. Therefore, it has been classified as a Variant of Uncertain Significance. Algorithms developed to predict the effect of missense changes on protein structure and function do not agree on the potential impact of this missense change (SIFT: "Deleterious"; PolyPhen-2: "Probably Damaging"; Align-GVGD: "Class C0"). This variant has not been reported in the literature in individuals with APC-related disease. This variant is not present in population databases (ExAC no frequency).

Ambry Genetics
Classification: Uncertain significance for Hereditary cancer-predisposing syndrome. Last evaluated: 2020-03-23. Review status: criteria provided, single submitter. Criteria: Ambry Variant Classification Scheme 2023. Collection method: clinical testing. Allele origin: germline.
Comment: The p.Q1627K variant (also known as c.4879C>A), located in coding exon 15 of the APC gene, results from a C to A substitution at nucleotide position 4879. The glutamine at codon 1627 is replaced by lysine, an amino acid with similar properties. This amino acid position is well conserved in available vertebrate species. In addition, in silico predictors for this gene do not accurately predict pathogenicity. Since supporting evidence is limited at this time, the clinical significance of this alteration remains unclear.

NM_000038.6(APC):c.4879C>A (p.Gln1627Lys)

Gene: APC (APC regulator of Wnt signaling pathway; plus strand). Cytogenetic location: 5q22.2.
Variant type: single nucleotide variant.
Coding change: c.4879C>A on transcript NM_000038.6 (MANE Select); coding-DNA position 4879, C replaced by A.
Protein change: p.Gln1627Lys; replaces glutamine 1627 with lysine.
Molecular consequence: missense variant.
Genome position (GRCh38, 1-based): chr5:112,840,473, C>A. VCF-style: chr5-112840473-C-A. GRCh37 (hg19) VCF-style: chr5-112176170-C-A.
Other names: c.4879C>A, p.Gln1627Lys (NM_001127510.3, NM_001354895.2); c.4825C>A, p.Gln1609Lys (NM_001127511.3); c.4933C>A, p.Gln1645Lys (NM_001354896.2); c.4909C>A, p.Gln1637Lys (NM_001354897.2); c.4804C>A, p.Gln1602Lys (NM_001354898.2); c.4795C>A, p.Gln1599Lys (NM_001354899.2); c.4756C>A, p.Gln1586Lys (NM_001354900.2); c.4702C>A, p.Gln1568Lys (NM_001354901.2); and 5 more; short protein forms Q1627K, Q1609K, Q1344K, Q1602K, Q1645K, Q1586K, Q1637K, Q1467K.
Identifiers: ClinVar variation 537506 (VCV000537506.13), dbSNP rs1554086263, ClinGen allele CA16032020.